The following is an entry in ClinVar:

ClinVar aggregate classification (germline): Pathogenic. Review status: criteria provided, multiple submitters, no conflicts (2 of 4 stars). 2 submissions from 2 submitters: Pathogenic (2). Last evaluated 2023-04-10.

Conditions:
Cardiomyopathy (CMYO). Also called: Cardiomyopathies. Identifiers: Orphanet 167848, MedGen C0878544, MONDO:0004994, HP:0001638. Inheritance: Various modes of inheritance.
Arrhythmogenic cardiomyopathy with wooly hair and keratoderma. Also called: PALMOPLANTAR KERATODERMA WITH LEFT VENTRICULAR CARDIOMYOPATHY AND WOOLLY HAIR; Dilated cardiomyopathy with woolly hair and keratoderma; Arrhythmogenic cardiomyopathy with woolly hair and keratoderma; Carvajal syndrome. Identifiers: Orphanet 65282, MedGen C1854063, MONDO:0011581, OMIM 605676.

Submissions (2):

All of Us Research Program, National Institutes of Health
Classification: Pathogenic for Arrhythmogenic cardiomyopathy with wooly hair and keratoderma. Last evaluated: 2023-04-10. Review status: criteria provided, single submitter. Criteria: ACMG Guidelines, 2015. Collection method: clinical testing. Allele origin: germline. Inheritance: Autosomal dominant inheritance. Observed: 1 variant allele, 1 heterozygote.
Comment: This variant changes 1 nucleotide in exon 23 of the DSP gene, creating a premature translation stop signal. This variant is expected to result in an absent or non-functional protein product. To our knowledge, this variant has not been reported in individuals affected with DSP-related disorders in the literature. This variant has not been identified in the general population by the Genome Aggregation Database (gnomAD). Loss of DSP function is a known mechanism of disease. Based on the available evidence, this variant is classified as Pathogenic.

This study involves interpretation of variants in research participants for the purpose of population health screening. Participant phenotype was not available at the time of variant classification. Additional details can be found in publication PMID: 35346344, PMCID: PMC8962531

Color Diagnostics, LLC DBA Color Health
Classification: Pathogenic for Cardiomyopathy. Last evaluated: 2023-01-18. Review status: criteria provided, single submitter. Criteria: ACMG Guidelines, 2015. Collection method: clinical testing. Allele origin: germline.
Comment: This variant changes 1 nucleotide in exon 23 of the DSP gene, creating a premature translation stop signal. This variant is expected to result in an absent or non-functional protein product. To our knowledge, this variant has not been reported in individuals affected with DSP-related disorders in the literature. This variant has not been identified in the general population by the Genome Aggregation Database (gnomAD). Loss of DSP function is a known mechanism of disease. Based on the available evidence, this variant is classified as Pathogenic.

NM_004415.4(DSP):c.5299C>T (p.Gln1767Ter)

Gene: DSP (desmoplakin; plus strand). Cytogenetic location: 6p24.3.
Variant type: single nucleotide variant.
Coding change: c.5299C>T on transcript NM_004415.4 (MANE Select); coding-DNA position 5299, C replaced by T.
Protein change: p.Gln1767Ter; replaces glutamine 1767 with a stop codon.
Molecular consequence: nonsense. On other transcripts: intron variant (2).
Genome position (GRCh38, 1-based): chr6:7,581,489, C>T. VCF-style: chr6-7581489-C-T. GRCh37 (hg19) VCF-style: chr6-7581722-C-T.
Other names: c.4051-1153C>T (NM_001319034.2); c.3583-1153C>T (NM_001008844.3); short protein forms Q1767*.
Identifiers: ClinVar variation 2775322 (VCV002775322.3), dbSNP rs2533932461, ClinGen allele CA362688286.